The following is an entry in ClinVar:

NM_002449.5(MSX2):c.76C>T (p.Pro26Ser)

Gene: MSX2 (msh homeobox 2; plus strand). Cytogenetic location: 5q35.2.
Variant type: single nucleotide variant.
Coding change: c.76C>T on transcript NM_002449.5 (MANE Select); coding-DNA position 76, C replaced by T.
Protein change: p.Pro26Ser; replaces proline 26 with serine.
Molecular consequence: missense variant.
Genome position (GRCh38, 1-based): chr5:174,724,735, C>T. VCF-style: chr5-174724735-C-T. GRCh37 (hg19) VCF-style: chr5-174151738-C-T.
Other names: c.76C>T, p.Pro26Ser (NM_001363626.2); short protein forms P26S.
Identifiers: ClinVar variation 4795443 (VCV004795443.1).

ClinVar aggregate classification (germline): Uncertain significance (1 of 4 stars; one submission).

gnomAD v4.1: 4 of 1,586,310 alleles (0.00025%); highest among the groups gnomAD compares: East Asian, 0.0069%; no homozygotes.

Submission:

GeneDx
Classification: Uncertain significance. Last evaluated: 2025-01-17. Review status: criteria provided, single submitter. Criteria: GeneDx Variant Classification Process June 2021. Collection method: clinical testing. Allele origin: germline. Affected: yes.
Comment: Not observed at significant frequency in large population cohorts (gnomAD); In silico analysis indicates that this missense variant does not alter protein structure/function; Has not been previously published as pathogenic or benign to our knowledge